The following is an entry in ClinVar:

NM_001134407.3(GRIN2A):c.155G>C (p.Arg52Pro)

Gene: GRIN2A (glutamate ionotropic receptor NMDA type subunit 2A; minus strand). Cytogenetic location: 16p13.2.
Variant type: single nucleotide variant.
Coding change: c.155G>C on transcript NM_001134407.3 (MANE Select); coding-DNA position 155, G replaced by C.
Protein change: p.Arg52Pro; replaces arginine 52 with proline.
Molecular consequence: missense variant.
Genome position (GRCh38, 1-based): chr16:10,180,257, C>G on the plus strand (G>C on the coding strand, the complement: GRIN2A is on the minus strand). VCF-style: chr16-10180257-C-G. GRCh37 (hg19) VCF-style: chr16-10274114-C-G.
Other names: c.155G>C, p.Arg52Pro (NM_000833.5, NM_001134408.2); short protein forms R52P.
Identifiers: ClinVar variation 4534860 (VCV004534860.6).

ClinVar aggregate classification (germline): Uncertain significance (1 of 4 stars; one submission).

gnomAD v4.1: 1 of 1,613,878 alleles (0.000062%); highest among the groups gnomAD compares: Non-Finnish European, 0.000085%; no homozygotes.

Submission:

CeGaT Center for Human Genetics Tuebingen
Classification: Uncertain significance. Last evaluated: 2025-10-01. Review status: criteria provided, single submitter. Criteria: CeGaT Center For Human Genetics Tuebingen Variant Classification Criteria Version 2. Collection method: clinical testing. Allele origin: germline. Affected: yes. Observed: 1 variant allele.
Comment: GRIN2A: PM2:Supporting, PP3, PS2:Supporting